The following is an entry in ClinVar:

ClinVar aggregate classification (germline): Uncertain significance (1 of 4 stars; one submission).

Conditions:
Epileptic encephalopathy. Identifiers: MedGen C0543888, HP:0200134.

Allele frequency attached by ClinVar (database versions not stated): gnomAD exomes below 0.00001; TOPMed below 0.00001.
gnomAD v4.1: 2 of 1,613,942 alleles (0.00012%); highest among the groups gnomAD compares: East Asian, 0.0045%; no homozygotes.

Submission:

Labcorp Genetics (formerly Invitae), Labcorp
Classification: Uncertain significance for Epileptic encephalopathy. Last evaluated: 2021-12-23. Review status: criteria provided, single submitter. Criteria: Invitae Variant Classification Sherloc (09022015). Collection method: clinical testing. Allele origin: germline.
Comment: This sequence change replaces methionine, which is neutral and non-polar, with valine, which is neutral and non-polar, at codon 3644 of the RYR3 protein (p.Met3644Val). This variant is not present in population databases (gnomAD no frequency). This variant has not been reported in the literature in individuals affected with RYR3-related conditions. Algorithms developed to predict the effect of missense changes on protein structure and function are either unavailable or do not agree on the potential impact of this missense change (SIFT: "Deleterious"; PolyPhen-2: "Benign"; Align-GVGD: "Class C0"). In summary, the available evidence is currently insufficient to determine the role of this variant in disease. Therefore, it has been classified as a Variant of Uncertain Significance.

NM_001036.6(RYR3):c.10930A>G (p.Met3644Val)

Gene: RYR3 (ryanodine receptor 3; plus strand). Cytogenetic location: 15q14.
Variant type: single nucleotide variant.
Coding change: c.10930A>G on transcript NM_001036.6 (MANE Select); coding-DNA position 10930, A replaced by G.
Protein change: p.Met3644Val; replaces methionine 3644 with valine.
Molecular consequence: missense variant.
Genome position (GRCh38, 1-based): chr15:33,821,537, A>G. VCF-style: chr15-33821537-A-G. GRCh37 (hg19) VCF-style: chr15-34113738-A-G.
Other names: c.10915A>G, p.Met3639Val (NM_001243996.4); short protein forms M3639V, M3644V.
Identifiers: ClinVar variation 1430738 (VCV001430738.6), dbSNP rs1188536603, ClinGen allele CA391587138.